The following is an entry in ClinVar:

ClinVar aggregate classification (germline): Likely benign. Review status: criteria provided, multiple submitters, no conflicts (2 of 4 stars). 2 submissions from 2 submitters: Likely benign (2). Last evaluated 2024-09-02.

Conditions:
Progressive sclerosing poliodystrophy (MTDPS4A). Also called: Mitochondrial DNA Depletion Syndrome 4A; ALPERS DIFFUSE DEGENERATION OF CEREBRAL GRAY MATTER WITH HEPATIC CIRRHOSIS; Alpers Syndrome; ALPERS PROGRESSIVE INFANTILE POLIODYSTROPHY; Alpers-Huttenlocher Syndrome; NEURONAL DEGENERATION OF CHILDHOOD WITH LIVER DISEASE, PROGRESSIVE. Identifiers: Orphanet 726, MedGen C0205710, MONDO:0008758, OMIM 203700.

Allele frequency attached by ClinVar (database versions not stated): gnomAD exomes below 0.00001.
gnomAD v4.1: 3 of 1,613,434 alleles (0.00019%); highest among the groups gnomAD compares: Non-Finnish European, 0.000085%; no homozygotes.

Submissions (2):

Labcorp Genetics (formerly Invitae), Labcorp
Classification: Likely benign for Progressive sclerosing poliodystrophy. Last evaluated: 2024-09-02. Review status: criteria provided, single submitter. Criteria: Invitae Variant Classification Sherloc (09022015). Collection method: clinical testing. Allele origin: germline.

CeGaT Center for Human Genetics Tuebingen
Classification: Likely benign. Last evaluated: 2023-08-01. Review status: criteria provided, single submitter. Criteria: CeGaT Center For Human Genetics Tuebingen Variant Classification Criteria Version 2. Collection method: clinical testing. Allele origin: germline. Affected: yes. Observed: 1 variant allele.
Comment: POLG: PM2:Supporting, BP4, BP7

NM_002693.3(POLG):c.3654G>A (p.Leu1218=)

Genes: POLG (DNA polymerase gamma, catalytic subunit; minus strand), FANCI (FA complementation group I; plus strand). Cytogenetic location: 15q26.1.
Variant type: single nucleotide variant.
Coding change: c.3654G>A on transcript NM_002693.3 (MANE Select); coding-DNA position 3654, G replaced by A.
Protein change: p.Leu1218=; no amino-acid change (leucine 1218 retained).
Molecular consequence: synonymous variant. On other transcripts: 3 prime UTR variant (4).
Genome position (GRCh38, 1-based): chr15:89,316,817, C>T on the plus strand (G>A on the coding strand, the complement: POLG is on the minus strand). VCF-style: chr15-89316817-C-T. GRCh37 (hg19) VCF-style: chr15-89860048-C-T.
Other names: c.3654G>A, p.Leu1218= (NM_001126131.2); c.*358C>T (NM_001113378.2, NM_001376910.1, NM_001376911.1 and 1 more transcripts).
Identifiers: ClinVar variation 1565004 (VCV001565004.33), dbSNP rs752513968, ClinGen allele CA492069776.